The following is an entry in ClinVar:

ClinVar aggregate classification (germline): Uncertain significance. Review status: criteria provided, multiple submitters, no conflicts (2 of 4 stars). 2 submissions from 2 submitters: Uncertain significance (2). Last evaluated 2025-09-20.

Conditions:
Carney complex, type 1 (CNC1). Also called: CARNEY MYXOMA-ENDOCRINE COMPLEX; CARNEY COMPLEX, TYPE I. Identifiers: Orphanet 1359, MedGen C2607929, MONDO:0008057, OMIM 160980.
Hereditary cancer-predisposing syndrome. Also called: Neoplastic Syndromes, Hereditary; Tumor predisposition; Hereditary Cancer Syndrome; Hereditary neoplastic syndrome. Identifiers: Orphanet 140162, MedGen C0027672, MeSH D009386, MONDO:0015356.

Submissions (2):

Ambry Genetics
Classification: Uncertain significance for Hereditary cancer-predisposing syndrome. Last evaluated: 2025-09-20. Review status: criteria provided, single submitter. Criteria: Ambry Variant Classification Scheme 2023. Collection method: clinical testing. Allele origin: germline.
Comment: The p.K134R variant (also known as c.401A>G), located in coding exon 3 of the PRKAR1A gene, results from an A to G substitution at nucleotide position 401. The lysine at codon 134 is replaced by arginine, an amino acid with highly similar properties. This amino acid position is conserved. In addition, the in silico prediction for this alteration is inconclusive. Based on the available evidence, the clinical significance of this variant remains unclear.

Labcorp Genetics (formerly Invitae), Labcorp
Classification: Uncertain significance for Carney complex, type 1. Last evaluated: 2025-08-05. Review status: criteria provided, single submitter. Criteria: Invitae Variant Classification Sherloc (09022015). Collection method: clinical testing. Allele origin: germline.
Comment: This sequence change replaces lysine, which is basic and polar, with arginine, which is basic and polar, at codon 134 of the PRKAR1A protein (p.Lys134Arg). This variant is not present in population databases (gnomAD no frequency). This variant has not been reported in the literature in individuals affected with PRKAR1A-related conditions. Invitae Evidence Modeling of protein sequence and biophysical properties (such as structural, functional, and spatial information, amino acid conservation, physicochemical variation, residue mobility, and thermodynamic stability) indicates that this missense variant is not expected to disrupt PRKAR1A protein function with a negative predictive value of 95%. In summary, the available evidence is currently insufficient to determine the role of this variant in disease. Therefore, it has been classified as a Variant of Uncertain Significance.

NM_002734.5(PRKAR1A):c.401A>G (p.Lys134Arg)

Gene: PRKAR1A (protein kinase cAMP-dependent type I regulatory subunit alpha; plus strand). Cytogenetic location: 17q24.2.
Variant type: single nucleotide variant.
Coding change: c.401A>G on transcript NM_002734.5 (MANE Select); coding-DNA position 401, A replaced by G.
Protein change: p.Lys134Arg; replaces lysine 134 with arginine.
Molecular consequence: missense variant.
Genome position (GRCh38, 1-based): chr17:68,523,777, A>G. VCF-style: chr17-68523777-A-G. GRCh37 (hg19) VCF-style: chr17-66519918-A-G.
Other names: c.401A>G, p.Lys134Arg (NM_001276289.2, NM_001276290.1, NM_001278433.2 and 4 more transcripts); short protein forms K134R.
Identifiers: ClinVar variation 4674154 (VCV004674154.2).